The following is an entry in ClinVar:

NM_001031710.3(KLHL7):c.562A>T (p.Lys188Ter)

Gene: KLHL7 (kelch like family member 7; plus strand). Cytogenetic location: 7p15.3.
Variant type: single nucleotide variant.
Coding change: c.562A>T on transcript NM_001031710.3 (MANE Select); coding-DNA position 562, A replaced by T.
Protein change: p.Lys188Ter; replaces lysine 188 with a stop codon.
Molecular consequence: nonsense. On other transcripts: non-coding transcript variant (1).
Genome position (GRCh38, 1-based): chr7:23,140,888, A>T. VCF-style: chr7-23140888-A-T. GRCh37 (hg19) VCF-style: chr7-23180507-A-T.
Other names: c.418A>T, p.Lys140Ter (NM_018846.5); short protein forms K140*, K188*.
Identifiers: ClinVar variation 1331563 (VCV001331563.4), dbSNP rs2128464395, ClinGen allele CA366976341.
Genomic context (GRCh38, chr7:23,140,888, plus strand): 5'-TTTATTCATCAGCACTTTACTGAAGTTTACAAAACTGATGAATTTCTTCAACTTGATGTC[A>T]AGCGAGTAACACATCTTCTCAACCAGGACACTCTGACTGTGAGAGCAGAGGATCAGGTGA-3'

ClinVar aggregate classification (germline): Likely pathogenic (1 of 4 stars; one submission).

Submission:

Greenwood Genetic Center Diagnostic Laboratories, Greenwood Genetic Center
Classification: Likely pathogenic. Last evaluated: 2020-11-04. Review status: criteria provided, single submitter. Criteria: ACMG Guidelines, 2015. Collection method: clinical testing. Allele origin: germline. Affected: yes.
Comment: PVS1, PM2